The following is an entry in ClinVar:

ClinVar aggregate classification (germline): Likely benign. Review status: criteria provided, multiple submitters, no conflicts (2 of 4 stars). 2 submissions from 2 submitters: Likely benign (2). Last evaluated 2026-03-01.

Conditions:
Cardiovascular phenotype. Identifiers: MedGen CN230736.

gnomAD v4.1: 7 of 1,614,024 alleles (0.00043%); highest among the groups gnomAD compares: African/African-American, 0.008%; no homozygotes.

Submissions (2):

CeGaT Center for Human Genetics Tuebingen
Classification: Likely benign. Last evaluated: 2026-03-01. Review status: criteria provided, single submitter. Criteria: CeGaT Center For Human Genetics Tuebingen Variant Classification Criteria Version 2. Collection method: clinical testing. Allele origin: germline. Affected: yes. Observed: 1 variant allele.
Comment: ANK2: BP4

Ambry Genetics
Classification: Likely benign for Cardiovascular phenotype. Last evaluated: 2025-05-06. Review status: criteria provided, single submitter. Criteria: Ambry Variant Classification Scheme 2023. Collection method: clinical testing. Allele origin: germline.

NM_001148.6(ANK2):c.1320C>T (p.Phe440=)

Gene: ANK2 (ankyrin 2; plus strand). Cytogenetic location: 4q26.
Variant type: single nucleotide variant.
Coding change: c.1320C>T on transcript NM_001148.6 (MANE Select); coding-DNA position 1320, C replaced by T.
Protein change: p.Phe440=; no amino-acid change (phenylalanine 440 retained).
Molecular consequence: synonymous variant. On other transcripts: intron variant (5).
Genome position (GRCh38, 1-based): chr4:113,258,345, C>T. VCF-style: chr4-113258345-C-T. GRCh37 (hg19) VCF-style: chr4-114179501-C-T.
Other names: c.1257C>T, p.Phe419= (NM_001127493.3, NM_001354239.2, NM_001354243.2 and 14 more transcripts); c.1320C>T, p.Phe440= (NM_001354225.2, NM_001354228.2, NM_001354232.2 and 8 more transcripts); c.1365C>T, p.Phe455= (NM_001354230.2, NM_001354231.2, NM_001354237.2 and 5 more transcripts); c.1233C>T, p.Phe411= (NM_001354249.2, NM_001354260.2, NM_001354264.2 and 13 more transcripts); c.1278C>T, p.Phe426= (NM_001354261.2, NM_001386147.1, NM_001386160.1); c.1308C>T, p.Phe436= (NM_001386148.2, NM_001386186.2); c.1371C>T, p.Phe457= (NM_001386174.1); c.1347C>T, p.Phe449= (NM_001386175.1); and 4 more.
Identifiers: ClinVar variation 4051109 (VCV004051109.5).
Genomic context (GRCh38, chr4:113,258,345, plus strand): 5'-GTAAAACTGCTGTTGCTTTGTTTCGCAGTCTGGCCTCACACCAATACATGTGGCTGCCTT[C>T]ATGGGCCACTTGAACATTGTCCTCCTTCTGCTGCAGAACGGAGCCTCTCCAGATGTCACT-3'
Protein context (NP_001139.3, residues 430-450): SGLTPIHVAA[Phe440=]MGHLNIVLLL